The following is an entry in ClinVar:

NM_007186.6(CEP250):c.3485A>C (p.Gln1162Pro)

Gene: CEP250 (centrosomal protein 250; plus strand). Cytogenetic location: 20q11.22.
Variant type: single nucleotide variant.
Coding change: c.3485A>C on transcript NM_007186.6 (MANE Select); coding-DNA position 3485, A replaced by C.
Protein change: p.Gln1162Pro; replaces glutamine 1162 with proline.
Molecular consequence: missense variant.
Genome position (GRCh38, 1-based): chr20:35,497,897, A>C. VCF-style: chr20-35497897-A-C. GRCh37 (hg19) VCF-style: chr20-34085726-A-C.
Other names: c.1589A>C, p.Gln530Pro (NM_001318219.1); short protein forms Q530P, Q1162P.
Identifiers: ClinVar variation 1478000 (VCV001478000.7), dbSNP rs2063888648, ClinGen allele CA408744314.

ClinVar aggregate classification (germline): Uncertain significance. Review status: criteria provided, multiple submitters, no conflicts (2 of 4 stars). 2 submissions from 2 submitters: Uncertain significance (2). Last evaluated 2023-08-10.

Submissions (2):

Blueprint Genetics
Classification: Uncertain significance. Last evaluated: 2023-08-10. Review status: criteria provided, single submitter. Criteria: ACMG Guidelines, 2015. Collection method: clinical testing. Allele origin: germline.

Labcorp Genetics (formerly Invitae), Labcorp
Classification: Uncertain significance. Last evaluated: 2021-10-16. Review status: criteria provided, single submitter. Criteria: Invitae Variant Classification Sherloc (09022015). Collection method: clinical testing. Allele origin: germline.
Comment: In summary, the available evidence is currently insufficient to determine the role of this variant in disease. Therefore, it has been classified as a Variant of Uncertain Significance. Algorithms developed to predict the effect of missense changes on protein structure and function are either unavailable or do not agree on the potential impact of this missense change (SIFT: "Not Available"; PolyPhen-2: "Possibly Damaging"; Align-GVGD: "Not Available"). This variant has not been reported in the literature in individuals affected with CEP250-related conditions. This variant is not present in population databases (gnomAD no frequency). This sequence change replaces glutamine, a(n) neutral and polar amino acid, with proline, a(n) neutral and non-polar amino acid, at codon 1162 of the CEP250 protein (p.Gln1162Pro).